The following is an entry in ClinVar:

ClinVar aggregate classification (germline): Likely pathogenic (1 of 4 stars; one submission).

Allele frequency attached by ClinVar (database versions not stated): gnomAD exomes below 0.00001.
gnomAD v4.1: 1 of 1,530,868 alleles (0.000065%); highest among the groups gnomAD compares: Admixed American, 0.0021%; no homozygotes.

Submission:

Labcorp Genetics (formerly Invitae), Labcorp
Classification: Likely pathogenic. Last evaluated: 2023-07-19. Review status: criteria provided, single submitter. Criteria: Invitae Variant Classification Sherloc (09022015). Collection method: clinical testing. Allele origin: germline.
Comment: In summary, the currently available evidence indicates that the variant is pathogenic, but additional data are needed to prove that conclusively. Therefore, this variant has been classified as Likely Pathogenic. Algorithms developed to predict the effect of sequence changes on RNA splicing suggest that this variant may disrupt the consensus splice site. ClinVar contains an entry for this variant (Variation ID: 2064053). This variant has not been reported in the literature in individuals affected with TBCD-related conditions. This variant is not present in population databases (gnomAD no frequency). This sequence change affects an acceptor splice site in intron 10 of the TBCD gene. It is expected to disrupt RNA splicing. Variants that disrupt the donor or acceptor splice site typically lead to a loss of protein function (PMID: 16199547), and loss-of-function variants in TBCD are known to be pathogenic (PMID: 27666370, 27666374).

Literature cited by the submitters: PubMed 16199547; PubMed 27666370; PubMed 27666374.

NM_005993.5(TBCD):c.1088-2A>G

Gene: TBCD (tubulin folding cofactor D). Cytogenetic location: 17q25.3.
Variant type: single nucleotide variant.
Coding change: c.1088-2A>G on transcript NM_005993.5 (MANE Select); the canonical splice acceptor site of the intron before coding-DNA position 1088, A replaced by G.
Molecular consequence: splice acceptor variant.
Genome position (GRCh38, 1-based): chr17:82,807,606, A>G. VCF-style: chr17-82807606-A-G. GRCh37 (hg19) VCF-style: chr17-80765482-A-G.
Other names: c.1088-2A>G (NM_001411102.1); c.1037-2A>G (NM_001411101.1).
Identifiers: ClinVar variation 2064053 (VCV002064053.4), dbSNP rs1362008756, ClinGen allele CA401620015.